The following is an entry in ClinVar:

ClinVar aggregate classification (germline): Conflicting classifications of pathogenicity. Review status: criteria provided, conflicting classifications (1 of 4 stars). 2 submissions from 2 submitters: Uncertain significance (1); Likely benign (1). Last evaluated 2026-01-06.

Allele frequency attached by ClinVar (database versions not stated): gnomAD 0.00002; gnomAD exomes 0.00003; ExAC 0.00007; 1000 Genomes Project 30x 0.00016; 1000 Genomes Project 0.00020.
gnomAD v4.1: 54 of 1,614,036 alleles (0.0033%); highest among the groups gnomAD compares: South Asian, 0.044%; no homozygotes.

Submissions (2):

Labcorp Genetics (formerly Invitae), Labcorp
Classification: Uncertain significance. Last evaluated: 2026-01-06. Review status: criteria provided, single submitter. Criteria: Invitae Variant Classification Sherloc (09022015). Collection method: clinical testing. Allele origin: germline.
Comment: This sequence change replaces arginine, which is basic and polar, with glutamine, which is neutral and polar, at codon 866 of the DCHS1 protein (p.Arg866Gln). This variant is present in population databases (rs572331982, gnomAD 0.03%). This variant has not been reported in the literature in individuals affected with DCHS1-related conditions. ClinVar contains an entry for this variant (Variation ID: 2570794). Invitae Evidence Modeling of protein sequence and biophysical properties (such as structural, functional, and spatial information, amino acid conservation, physicochemical variation, residue mobility, and thermodynamic stability) indicates that this missense variant is not expected to disrupt DCHS1 protein function with a negative predictive value of 80%. In summary, the available evidence is currently insufficient to determine the role of this variant in disease. Therefore, it has been classified as a Variant of Uncertain Significance.

CeGaT Center for Human Genetics Tuebingen
Classification: Likely benign. Last evaluated: 2023-05-01. Review status: criteria provided, single submitter. Criteria: CeGaT Center For Human Genetics Tuebingen Variant Classification Criteria Version 2. Collection method: clinical testing. Allele origin: germline. Affected: yes. Observed: 1 variant allele.
Comment: DCHS1: BP4

NM_003737.4(DCHS1):c.2597G>A (p.Arg866Gln)

Gene: DCHS1 (dachsous cadherin-related 1; minus strand). Cytogenetic location: 11p15.4.
Variant type: single nucleotide variant.
Coding change: c.2597G>A on transcript NM_003737.4 (MANE Select); coding-DNA position 2597, G replaced by A.
Protein change: p.Arg866Gln; replaces arginine 866 with glutamine.
Molecular consequence: missense variant.
Genome position (GRCh38, 1-based): chr11:6,632,915, C>T on the plus strand (G>A on the coding strand, the complement: DCHS1 is on the minus strand). VCF-style: chr11-6632915-C-T. GRCh37 (hg19) VCF-style: chr11-6654146-C-T.
Other names: short protein forms R866Q.
Identifiers: ClinVar variation 2570794 (VCV002570794.28), dbSNP rs572331982, ClinGen allele CA5860693.
Genomic context (GRCh38, chr11:6,632,915, plus strand): 5'-TCATCCAGCAGCACACGCACCCGAGCTACAGCGAAAGCTGGGGGCACTCCACTGCCTGCT[C>T]GCACCTCCAGCTCCAACACTGGTCCCAGTAGCTCCCGGTCCAGAGGGCGAAGTGTTTGCA-3'
Protein context (NP_003728.1, residues 856-876): LLGPVLELEV[Arg866Gln]AGSGVPPAFA